The following is an entry in ClinVar:

NM_006269.2(RP1):c.3377C>T (p.Thr1126Ile)

Gene: RP1 (RP1 axonemal microtubule associated; plus strand). Cytogenetic location: 8q12.1.
Variant type: single nucleotide variant.
Coding change: c.3377C>T on transcript NM_006269.2 (MANE Select); coding-DNA position 3377, C replaced by T.
Protein change: p.Thr1126Ile; replaces threonine 1126 with isoleucine.
Molecular consequence: missense variant. On other transcripts: intron variant (1).
Genome position (GRCh38, 1-based): chr8:54,627,259, C>T. VCF-style: chr8-54627259-C-T. GRCh37 (hg19) VCF-style: chr8-55539819-C-T.
Other names: c.787+4971C>T (NM_001375654.1); short protein forms T1126I.
Identifiers: ClinVar variation 2105781 (VCV002105781.4), dbSNP rs2536578900, ClinGen allele CA370996230.

ClinVar aggregate classification (germline): Uncertain significance (1 of 4 stars; one submission).

gnomAD v4.1: 7 of 1,614,082 alleles (0.00043%); highest among the groups gnomAD compares: Non-Finnish European, 0.00059%; no homozygotes.

Submission:

Labcorp Genetics (formerly Invitae), Labcorp
Classification: Uncertain significance. Last evaluated: 2022-03-04. Review status: criteria provided, single submitter. Criteria: Invitae Variant Classification Sherloc (09022015). Collection method: clinical testing. Allele origin: germline.
Comment: In summary, the available evidence is currently insufficient to determine the role of this variant in disease. Therefore, it has been classified as a Variant of Uncertain Significance. This variant is not present in population databases (gnomAD no frequency). This sequence change replaces threonine, which is neutral and polar, with isoleucine, which is neutral and non-polar, at codon 1126 of the RP1 protein (p.Thr1126Ile). This variant has not been reported in the literature in individuals affected with RP1-related conditions. Algorithms developed to predict the effect of missense changes on protein structure and function (SIFT, PolyPhen-2, Align-GVGD) all suggest that this variant is likely to be tolerated.